The following is an entry in ClinVar:

NM_017780.4(CHD7):c.8093C>G (p.Ser2698Trp)

Gene: CHD7 (chromodomain helicase DNA binding protein 7; plus strand). Cytogenetic location: 8q12.2.
Variant type: single nucleotide variant.
Coding change: c.8093C>G on transcript NM_017780.4 (MANE Select); coding-DNA position 8093, C replaced by G.
Protein change: p.Ser2698Trp; replaces serine 2698 with tryptophan.
Molecular consequence: missense variant.
Genome position (GRCh38, 1-based): chr8:60,865,032, C>G. VCF-style: chr8-60865032-C-G. GRCh37 (hg19) VCF-style: chr8-61777591-C-G.
Other names: c.1946C>G, p.Ser649Trp (NM_001316690.1); short protein forms S649W, S2698W.
Identifiers: ClinVar variation 4775448 (VCV004775448.2).
Genomic context (GRCh38, chr8:60,865,032, plus strand): 5'-TTCGACAGCCTTTATAGCCACTGTTTGCCTCCCCTGTACTCCAGGGTTTTGTTCCTGAGT[C>G]GATGTTTGACCGCCTTCTCACTGGGCCTGTAGTGCGGGGAGAGGGAGCGAGCAGAAGAGG-3'
Protein context (NP_060250.2, residues 2688-2708): IVKQSGFVPE[Ser2698Trp]MFDRLLTGPV

ClinVar aggregate classification (germline): Uncertain significance. Review status: criteria provided, multiple submitters, no conflicts (2 of 4 stars). 2 submissions from 2 submitters: Uncertain significance (2). Last evaluated 2026-03-26.

Conditions:
CHARGE syndrome (CHARGE). Also called: Hittner Hirsch Kreh syndrome; CHARGE ASSOCIATION--COLOBOMA, HEART ANOMALY, CHOANAL ATRESIA, RETARDATION, GENITAL AND EAR ANOMALIES; Coloboma, heart anomaly, choanal atresia, retardation, genital and ear anomalies; CHARGE association; Hall-Hittner syndrome. Identifiers: Orphanet 138, MedGen C0265354, MONDO:0008965.

gnomAD v4.1: 1 of 1,600,914 alleles (0.000062%); highest among the groups gnomAD compares: Non-Finnish European, 0.000085%; no homozygotes.

Submissions (2):

GeneDx
Classification: Uncertain significance. Last evaluated: 2026-03-26. Review status: criteria provided, single submitter. Criteria: GeneDx Variant Classification Process June 2021. Collection method: clinical testing. Allele origin: germline.
Comment: Not observed at significant frequency in large population cohorts (gnomAD); In silico analysis supports that this missense variant has a deleterious effect on protein structure/function; Has not been previously published as pathogenic or benign to our knowledge

Labcorp Genetics (formerly Invitae), Labcorp
Classification: Uncertain significance for CHARGE syndrome. Last evaluated: 2025-04-14. Review status: criteria provided, single submitter. Criteria: Invitae Variant Classification Sherloc (09022015). Collection method: clinical testing. Allele origin: germline.
Comment: This sequence change replaces serine, which is neutral and polar, with tryptophan, which is neutral and slightly polar, at codon 2698 of the CHD7 protein (p.Ser2698Trp). This variant is not present in population databases (gnomAD no frequency). This variant has not been reported in the literature in individuals affected with CHD7-related conditions. Invitae Evidence Modeling of protein sequence and biophysical properties (such as structural, functional, and spatial information, amino acid conservation, physicochemical variation, residue mobility, and thermodynamic stability) indicates that this missense variant is not expected to disrupt CHD7 protein function with a negative predictive value of 95%. In summary, the available evidence is currently insufficient to determine the role of this variant in disease. Therefore, it has been classified as a Variant of Uncertain Significance.